The following is an entry in ClinVar:

ClinVar aggregate classification (germline): Uncertain significance (1 of 4 stars; one submission).

Submission:

Women's Health and Genetics/Laboratory Corporation of America, LabCorp
Classification: Uncertain significance. Last evaluated: 2025-01-24. Review status: criteria provided, single submitter. Criteria: LabCorp Variant Classification Summary - May 2015. Collection method: clinical testing. Allele origin: germline.
Comment: Variant summary: FAM175A c.1135_1136insCAGTAACC (p.Gln379ProfsX10) results in a premature termination codon, predicted to cause a truncation of the encoded protein, however no downstream variants have been evaluated associated with disease yet. The variant allele was found at a frequency of 4e-06 in 251370 control chromosomes. The available data on variant occurrences in the general population are insufficient to allow any conclusion about variant significance. To our knowledge, no occurrence of c.1135_1136insCAGTAACC in individuals affected with Hereditary Breast And Ovarian Cancer Syndrome and no experimental evidence demonstrating its impact on protein function have been reported. No submitters have cited clinical-significance assessments for this variant to ClinVar. Based on the evidence outlined above, the variant was classified as uncertain significance.

NM_139076.3(ABRAXAS1):c.1135_1136insCAGTAACC (p.Gln379fs)

Gene: ABRAXAS1 (abraxas 1, BRCA1 A complex subunit; minus strand). Cytogenetic location: 4q21.23.
Variant type: Insertion.
Coding change: c.1135_1136insCAGTAACC on transcript NM_139076.3 (MANE Select); coding-DNA positions 1135 to 1136, CAGTAACC inserted.
Protein change: p.Gln379fs; shifts the reading frame from glutamine 379.
Molecular consequence: frameshift variant.
Genome position: GRCh38 VCF-style: chr4-83462563-T-TGGTTACTG. GRCh37 (hg19) VCF-style: chr4-84383716-T-TGGTTACTG.
Other names: c.808_809insCAGTAACC, p.Gln270fs (NM_001345962.2); short protein forms Q270fs, Q379fs.
Identifiers: ClinVar variation 3769455 (VCV003769455.2).
Genomic context (GRCh38, chr4:83,462,563, plus strand): 5'-CCCTTCATCTTTTCAATTTCTTCATCTGTTTCTGGGCTGCTCATTTTGGATGCTTTATCT[T>TGGTTACTG]GGTTACTACTACCAGTATCTGCTTTAGATCGTTTGTCTTGTGTATCTAACAACCGAGATC-3'